The following is an entry in ClinVar:

ClinVar aggregate classification (germline): Likely benign. Review status: criteria provided, single submitter (1 of 4 stars). 2 submissions from 2 submitters: Likely benign (1). 1 of the submissions does not count toward it. Last evaluated 2025-12-22.

Conditions:
KANK4-related disorder. Also called: KANK4-related condition.

Allele frequency attached by ClinVar (database versions not stated): gnomAD exomes 0.00014; ExAC 0.00044; ESP Exome Variant Server 0.00131; gnomAD 0.00146; TOPMed 0.00169; 1000 Genomes Project 0.00180; 1000 Genomes Project 30x 0.00265.
gnomAD v4.1: 436 of 1,614,128 alleles (0.027%); highest among the groups gnomAD compares: African/African-American, 0.5%; no homozygotes.

Submissions (2):

Labcorp Genetics (formerly Invitae), Labcorp
Classification: Likely benign. Last evaluated: 2025-12-22. Review status: criteria provided, single submitter. Criteria: Invitae Variant Classification Sherloc (09022015). Collection method: clinical testing. Allele origin: germline.

PreventionGenetics, part of Exact Sciences
Classification: Likely benign for KANK4-related condition. Last evaluated: 2019-10-11. Review status: no assertion criteria provided. Collection method: clinical testing. Allele origin: germline. Not counted in ClinVar's aggregate classification.
Comment: This variant is classified as likely benign based on ACMG/AMP sequence variant interpretation guidelines (Richards et al. 2015 PMID: 25741868, with internal and published modifications).

NM_181712.5(KANK4):c.1343G>A (p.Arg448Gln)

Gene: KANK4 (KN motif and ankyrin repeat domains 4; minus strand). Cytogenetic location: 1p31.3.
Variant type: single nucleotide variant.
Coding change: c.1343G>A on transcript NM_181712.5 (MANE Select); coding-DNA position 1343, G replaced by A.
Protein change: p.Arg448Gln; replaces arginine 448 with glutamine.
Molecular consequence: missense variant. On other transcripts: intron variant (1).
Genome position (GRCh38, 1-based): chr1:62,273,761, C>T on the plus strand (G>A on the coding strand, the complement: KANK4 is on the minus strand). VCF-style: chr1-62273761-C-T. GRCh37 (hg19) VCF-style: chr1-62739433-C-T.
Other names: c.17-2172G>A (NM_001320269.2); c.1343G>A (NM_181712.4); short protein forms R448Q.
Identifiers: ClinVar variation 2058591 (VCV002058591.6), dbSNP rs141351845, ClinGen allele CA884393.